The following is an entry in ClinVar:

NM_016579.4(CD320):c.698C>T (p.Ala233Val)

Gene: CD320 (CD320 molecule; minus strand). Cytogenetic location: 19p13.2.
Variant type: single nucleotide variant.
Coding change: c.698C>T on transcript NM_016579.4 (MANE Select); coding-DNA position 698, C replaced by T.
Protein change: p.Ala233Val; replaces alanine 233 with valine.
Molecular consequence: missense variant.
Genome position (GRCh38, 1-based): chr19:8,302,785, G>A on the plus strand (C>T on the coding strand, the complement: CD320 is on the minus strand). VCF-style: chr19-8302785-G-A. GRCh37 (hg19) VCF-style: chr19-8367669-G-A.
Other names: c.572C>T, p.Ala191Val (NM_001165895.2); short protein forms A191V, A233V.
Identifiers: ClinVar variation 3659169 (VCV003659169.2).

ClinVar aggregate classification (germline): Uncertain significance (1 of 4 stars; one submission).

Conditions:
Methylmalonic acidemia due to transcobalamin receptor defect (MATR). Also called: METHYLMALONIC ACIDURIA, TRANSIENT, DUE TO TRANSCOBALAMIN RECEPTOR DEFECT; METHYLMALONIC ACIDEMIA, TCblR TYPE. Identifiers: Orphanet 280183, MedGen C4749905, MONDO:0013341, OMIM 613646.

Submission:

Labcorp Genetics (formerly Invitae), Labcorp
Classification: Uncertain significance for Methylmalonic acidemia due to transcobalamin receptor defect. Last evaluated: 2024-07-10. Review status: criteria provided, single submitter. Criteria: Invitae Variant Classification Sherloc (09022015). Collection method: clinical testing. Allele origin: germline.
Comment: This sequence change replaces alanine, which is neutral and non-polar, with valine, which is neutral and non-polar, at codon 233 of the CD320 protein (p.Ala233Val). This variant is not present in population databases (gnomAD no frequency). This variant has not been reported in the literature in individuals affected with CD320-related conditions. An algorithm developed to predict the effect of missense changes on protein structure and function outputs the following: PolyPhen-2: "Benign". The valine amino acid residue is found in multiple mammalian species, which suggests that this missense change does not adversely affect protein function. In summary, the available evidence is currently insufficient to determine the role of this variant in disease. Therefore, it has been classified as a Variant of Uncertain Significance.